The following is an entry in ClinVar:

ClinVar aggregate classification (germline): Uncertain significance. Review status: criteria provided, multiple submitters, no conflicts (2 of 4 stars). 2 submissions from 2 submitters: Uncertain significance (2). Last evaluated 2019-10-30.

Conditions:
Long QT syndrome (LQTS). Identifiers: MedGen C0023976, MeSH D008133, MONDO:0002442. Disease mechanism: loss of function. Inheritance: Various modes of inheritance.

Allele frequency attached by ClinVar (database versions not stated): TOPMed below 0.00001; gnomAD 0.00001; gnomAD exomes 0.00001; ExAC 0.00002.

Submissions (2):

Labcorp Genetics (formerly Invitae), Labcorp
Classification: Uncertain significance for Long QT syndrome. Last evaluated: 2019-10-30. Review status: criteria provided, single submitter. Criteria: Invitae Variant Classification Sherloc (09022015). Collection method: clinical testing. Allele origin: germline.
Comment: This sequence change replaces isoleucine with phenylalanine at codon 250 of the KCNJ5 protein (p.Ile250Phe). The isoleucine residue is moderately conserved and there is a small physicochemical difference between isoleucine and phenylalanine. This variant is present in population databases (rs769317544, ExAC 0.003%). This variant has not been reported in the literature in individuals with KCNJ5-related conditions. Algorithms developed to predict the effect of missense changes on protein structure and function are either unavailable or do not agree on the potential impact of this missense change (SIFT: "Tolerated"; PolyPhen-2: "Probably Damaging"; Align-GVGD: "Class C0"). In summary, the available evidence is currently insufficient to determine the role of this variant in disease. Therefore, it has been classified as a Variant of Uncertain Significance.

GeneDx
Classification: Uncertain significance. Last evaluated: 2019-10-15. Review status: criteria provided, single submitter. Criteria: GeneDx Variant Classification Process June 2021. Collection method: clinical testing. Allele origin: germline. Affected: yes.
Comment: Has not been previously published as pathogenic or benign to our knowledge; Not observed at a significant frequency in large population cohorts (Lek et al., 2016); In silico analysis, which includes protein predictors and evolutionary conservation, supports a deleterious effect

NM_000890.5(KCNJ5):c.748A>T (p.Ile250Phe)

Gene: KCNJ5 (potassium inwardly rectifying channel subfamily J member 5; plus strand). Cytogenetic location: 11q24.3.
Variant type: single nucleotide variant.
Coding change: c.748A>T on transcript NM_000890.5 (MANE Select); coding-DNA position 748, A replaced by T.
Protein change: p.Ile250Phe; replaces isoleucine 250 with phenylalanine.
Molecular consequence: missense variant.
Genome position (GRCh38, 1-based): chr11:128,912,021, A>T. VCF-style: chr11-128912021-A-T. GRCh37 (hg19) VCF-style: chr11-128781916-A-T.
Other names: c.748A>T, p.Ile250Phe (NM_001354169.2); short protein forms I250F.
Identifiers: ClinVar variation 963164 (VCV000963164.3), dbSNP rs769317544, ClinGen allele CA6357930.